The following is an entry in ClinVar:

NM_012099.3(POLR1G):c.339C>T (p.Gly113=)

Genes: ERCC1 (ERCC excision repair 1, endonuclease non-catalytic subunit; minus strand), POLR1G (RNA polymerase I subunit G; plus strand). Cytogenetic location: 19q13.32.
Variant type: single nucleotide variant.
Coding change: c.339C>T on transcript NM_012099.3 (MANE Select); coding-DNA position 339, C replaced by T.
Protein change: p.Gly113=; no amino-acid change (glycine 113 retained).
Molecular consequence: synonymous variant. On other transcripts: 3 prime UTR variant (10).
Genome position (GRCh38, 1-based): chr19:45,408,307, C>T. VCF-style: chr19-45408307-C-T. GRCh37 (hg19) VCF-style: chr19-45911565-C-T.
Other names: c.345C>T, p.Gly115= (NM_001297590.3); c.*1368G>A (NM_001166049.2, NM_001369412.1, NM_001369413.1 and 7 more transcripts).
Identifiers: ClinVar variation 4821143 (VCV004821143.4).

ClinVar aggregate classification (germline): Likely benign (1 of 4 stars; one submission).

gnomAD v4.1: 153 of 1,612,638 alleles (0.0095%); highest among the groups gnomAD compares: Non-Finnish European, 0.012%; no homozygotes.

Submission:

CeGaT Center for Human Genetics Tuebingen
Classification: Likely benign. Last evaluated: 2026-01-01. Review status: criteria provided, single submitter. Criteria: CeGaT Center For Human Genetics Tuebingen Variant Classification Criteria Version 2. Collection method: clinical testing. Allele origin: germline. Affected: yes. Observed: 1 variant allele.
Comment: POLR1G: BP4, BP7